The following is an entry in ClinVar:

ClinVar aggregate classification (germline): Pathogenic. Review status: reviewed by expert panel (3 of 4 stars). 11 submissions from 11 submitters: Pathogenic (1). 10 of the submissions do not count toward it. Last evaluated 2023-11-27.

Conditions:
Hereditary cancer-predisposing syndrome. Also called: Neoplastic Syndromes, Hereditary; Hereditary neoplastic syndrome; Tumor predisposition; Hereditary Cancer Syndrome. Identifiers: Orphanet 140162, MedGen C0027672, MeSH D009386, MONDO:0015356.
Hereditary diffuse gastric adenocarcinoma (HDGC). Also called: DIFFUSE GASTRIC AND LOBULAR BREAST CANCER SYNDROME. Identifiers: Orphanet 26106, MedGen C1708349, MONDO:0007648, OMIM 137215.
CDH1-related diffuse gastric and lobular breast cancer syndrome. Also called: CDH1-related diffuse gastric and lobular breast cancer. Identifiers: MedGen CN311521, MONDO:0100488.

Allele frequency attached by ClinVar (database versions not stated): gnomAD exomes below 0.00001.
gnomAD v4.1: 3 of 1,613,930 alleles (0.00019%); highest among the groups gnomAD compares: South Asian, 0.0022%; no homozygotes.

Submissions (12):

Clingen Gastric Cancer Variant Curation Expert Panel
Classification: Pathogenic for CDH1-related diffuse gastric and lobular breast cancer syndrome. Last evaluated: 2023-11-27. Review status: reviewed by expert panel. Criteria: ClinGen CDH1 ACMG Specifications V3.1. Collection method: curation. Allele origin: germline. Inheritance: Autosomal dominant inheritance.
Comment: The c.2195G>A variant is absent in the gnomAD cohort (PM2_Supporting). There is an RNA assay demonstrating an abnormal out-of-frame transcript for this variant (PS3; PMID: 17545690 15235021). This variant has also been reported in at least 12 families with HDGC criteria (PS4; PMID: 17545690 15235021 and laboratory internal data). In summary, this variant meets criteria to be classified as pathogenic based on the ACMG/AMP criteria applied as specified by the CDH1 Variant Curation Expert Panel (Variant Interpretation Guidelines Version 3.1): PM2_Supporting, PS3, PS4.

Mayo Clinic Laboratories, Mayo Clinic
Classification: Pathogenic. Last evaluated: 2025-12-18. Review status: criteria provided, single submitter. Criteria: ACMG Guidelines, 2015. Collection method: clinical testing. Allele origin: germline. Observed: 2 variant alleles. Not counted in ClinVar's aggregate classification.
Comment: PM2_supporting, PS3, PS4

Labcorp Genetics (formerly Invitae), Labcorp
Classification: Pathogenic for Hereditary diffuse gastric adenocarcinoma. Last evaluated: 2025-10-27. Review status: criteria provided, single submitter. Criteria: Invitae Variant Classification Sherloc (09022015). Collection method: clinical testing. Allele origin: germline. Not counted in ClinVar's aggregate classification.
Comment: This sequence change replaces arginine, which is basic and polar, with glutamine, which is neutral and polar, at codon 732 of the CDH1 protein (p.Arg732Gln). This variant is not present in population databases (gnomAD no frequency). This missense change has been observed in individuals with diffuse gastric cancer and lobular breast cancer (PMID: 15235021, 17545690, 18442100, 26072394, 29589180). It has also been observed to segregate with disease in related individuals. ClinVar contains an entry for this variant (Variation ID: 406663). An algorithm developed to predict the effect of missense changes on protein structure and function (PolyPhen-2) suggests that this variant is likely to be disruptive. Experimental studies have shown that this missense change affects CDH1 function (PMID: 15235021). Algorithms developed to predict the effect of sequence changes on RNA splicing suggest that this variant may disrupt the consensus splice site. For these reasons, this variant has been classified as Pathogenic.

Molecular Pathology, Peter Maccallum Cancer Centre
Classification: Pathogenic for Hereditary diffuse gastric adenocarcinoma. Last evaluated: 2025-05-29. Review status: criteria provided, single submitter. Criteria: ACMG Guidelines, 2015. Collection method: clinical testing. Allele origin: germline. Inheritance: Autosomal dominant inheritance. Not counted in ClinVar's aggregate classification.

GeneDx
Classification: Likely pathogenic. Last evaluated: 2025-05-12. Review status: criteria provided, single submitter. Criteria: GeneDx Variant Classification Process June 2021. Collection method: clinical testing. Allele origin: germline. Affected: yes. Not counted in ClinVar's aggregate classification.
Comment: RNA studies demonstrate a damaging effect: results in the gain of a cryptic splice acceptor site and causes abnormal splicing (PMID: 17545690); Not observed at significant frequency in large population cohorts (gnomAD); In silico analysis supports a deleterious effect on splicing; This variant is associated with the following publications: (PMID: 18442100, 15235021, 16924464, 23073328, 26072394, 21271559, 17624600, 20373070, 22225527, 22524656, 19269290, 26182300, 17634464, 29589180, 30311375, 29368341, 30154229, 34949788, 35070997, 36436516, 36063148, 30745422, 22850631, 22020549, 17545690)

Ambry Genetics
Classification: Pathogenic for Hereditary cancer-predisposing syndrome. Last evaluated: 2025-04-28. Review status: criteria provided, single submitter. Criteria: Ambry Variant Classification Scheme 2023. Collection method: clinical testing. Allele origin: germline. Not counted in ClinVar's aggregate classification.
Comment: The c.2195G>A pathogenic mutation (also known as p.R732Q) is located in coding exon 14 of the CDH1 gene. This alteration results from a G to A substitution at nucleotide position 2195. The arginine at codon 732 is replaced by glutamine, an amino acid with highly similar properties. This alteration has been reported in multiple HDGC patients and families and segregated with disease in at least one family (Brooks-Wilson et al. J Med Genet. 2004 Jul;41 (7):508-17; Kaurah et al. JAMA. 2007 Jun 6;297(21):2360-72; Fujita et al. Am J Surg Pathol. 2012 Nov;36(11):1709-17; Chung DC et al. N Engl J Med 2007 Jul 19; 357(3):283-91; Hakkaart C et al. Fam. Cancer. 2019 01;18(1):83-90). In addition, RT-PCR analysis showed that the c.2195G>A alteration resulted in complex splicing and deletion of 32 base pairs at the start of exon 14 by activating a cryptic acceptor site (Kaurah P et al. JAMA. 2007 Jun;297(21):2360-72). Based on the supporting evidence, this alteration is interpreted as a disease-causing mutation.

CeGaT Center for Human Genetics Tuebingen
Classification: Pathogenic. Last evaluated: 2024-05-01. Review status: criteria provided, single submitter. Criteria: CeGaT Center For Human Genetics Tuebingen Variant Classification Criteria Version 2. Collection method: clinical testing. Allele origin: germline. Affected: yes. Observed: 3 variant alleles. Not counted in ClinVar's aggregate classification.
Comment: CDH1: PP1:Strong, PM2, PS4:Moderate, PP3, PS3:Supporting

Myriad Genetics, Inc.
Classification: Likely pathogenic for Hereditary diffuse gastric adenocarcinoma. Last evaluated: 2023-06-15. Review status: criteria provided, single submitter. Criteria: Myriad Autosomal Dominant, Autosomal Recessive and X-Linked Classification Criteria (2023). Collection method: clinical testing. Allele origin: unknown. Not counted in ClinVar's aggregate classification.
Comment: This variant is considered likely pathogenic. This variant has been reported in multiple individuals with clinical features of gene-specific disease [PMID: 15235021, 17545690, 18442100, 22020549, 26072394]. mRNA analysis has demonstrated abnormal mRNA splicing occurs [PMID: 17545690].

Color Diagnostics, LLC DBA Color Health
Classification: Likely pathogenic for Hereditary cancer-predisposing syndrome. Last evaluated: 2022-08-22. Review status: criteria provided, single submitter. Criteria: ACMG Guidelines, 2015. Collection method: clinical testing. Allele origin: germline. Not counted in ClinVar's aggregate classification.
Comment: This missense variant replaces arginine with glutamine at codon 732 of the CDH1 protein. Splice site prediction tools suggest that this variant may create a new splice acceptor site. An RNA study has reported aberrant splicing utilizing this new splice site, resulting in the deletion of 32 nucleotides from exon 14 and a premature translation stop signal (PMID: 17545690). This variant is expected to result in an absent or non-functional protein product. This variant has been reported in multiple individuals with hereditary diffuse gastric cancer (DGC) and/or lobular breast cancer (LBC) in the literature (PMID: 15235021, 17545690, 17634464, 18442100, 19269290, 22020549, 23073328, 26072394, 26182300, 29589180, 35070997). This variant has not been identified in the general population by the Genome Aggregation Database (gnomAD). Loss of CDH1 function is a known mechanism of disease. Based on the available evidence, this variant is classified as Likely Pathogenic.

European Reference Network on Genetic Tumour Risk Syndromes (ERN-GENTURIS), i3s - Instituto de Investigação e Inovação em Saúde, University of Porto
Classification: Pathogenic for Hereditary diffuse gastric adenocarcinoma. Last evaluated: 2022-08-01. Review status: criteria provided, single submitter. Criteria: Lee et al. (Hum Mutat. 2018). Collection method: clinical testing. Allele origin: germline. Inheritance: Autosomal dominant inheritance. Affected: yes. Study: ERN GENTURIS. Not counted in ClinVar's aggregate classification.
Comment: PS3; PS4; PM2; PP3 (PMID: 30311375)

BRCAlab, Lund University
Classification: Likely pathogenic for Hereditary cancer-predisposing syndrome. Last evaluated: 2022-08-26. Review status: no assertion criteria provided. Collection method: clinical testing. Allele origin: germline. Affected: yes. Not counted in ClinVar's aggregate classification.

Dr. Peter K. Rogan Lab, Western University
No classification provided (evidence only). Condition: Familial cancer of breast. Review status: no classification provided. Collection method: in vitro. Allele origin: not applicable. Functional consequence: retained intron. Not counted in ClinVar's aggregate classification.

Literature cited by the submitters: PubMed 17545690 (cited by 6 submitters); PubMed 15235021 (cited by 6 submitters); PubMed 18442100 (cited by 4 submitters); PubMed 29589180 (cited by 4 submitters); PubMed 26072394 (cited by 4 submitters); PubMed 17634464 (cited by Ambry Genetics and Color Diagnostics, LLC DBA Color Health); PubMed 19269290 (cited by Ambry Genetics and Color Diagnostics, LLC DBA Color Health); PubMed 23073328 (cited by Ambry Genetics and Color Diagnostics, LLC DBA Color Health); PubMed 29368341 (cited by Ambry Genetics); PubMed 22020549 (cited by Myriad Genetics, Inc. and Color Diagnostics, LLC DBA Color Health); PubMed 26182300 (cited by Color Diagnostics, LLC DBA Color Health); PubMed 35070997 (cited by Color Diagnostics, LLC DBA Color Health); PubMed 36436516 (cited by European Reference Network on Genetic Tumour Risk Syndromes (ERN-GENTURIS), i3s - Instituto de Investigação e Inovação em Saúde, University of Porto).

NM_004360.5(CDH1):c.2195G>A (p.Arg732Gln)

Gene: CDH1 (cadherin 1; plus strand). Cytogenetic location: 16q22.1.
Variant type: single nucleotide variant.
Coding change: c.2195G>A on transcript NM_004360.5 (MANE Select); coding-DNA position 2195, G replaced by A.
Protein change: p.Arg732Gln; replaces arginine 732 with glutamine.
Molecular consequence: missense variant.
Genome position (GRCh38, 1-based): chr16:68,828,204, G>A. VCF-style: chr16-68828204-G-A. GRCh37 (hg19) VCF-style: chr16-68862107-G-A.
Other names: NM_004360.4(CDH1):c.2195G>A; c.2195G>A (LRG_301t1); c.2012G>A, p.Arg671Gln (NM_001317184.2); c.647G>A, p.Arg216Gln (NM_001317185.2); c.230G>A, p.Arg77Gln (NM_001317186.2); short protein forms R732Q, R216Q, R671Q, R77Q.
Identifiers: ClinVar variation 406663 (VCV000406663.86), dbSNP rs1060501244, ClinGen allele CA16615410.